The following is an entry in ClinVar:

ClinVar aggregate classification (germline): Uncertain significance (1 of 4 stars; one submission).

Submission:

Labcorp Genetics (formerly Invitae), Labcorp
Classification: Uncertain significance. Last evaluated: 2023-12-11. Review status: criteria provided, single submitter. Criteria: Invitae Variant Classification Sherloc (09022015). Collection method: clinical testing. Allele origin: germline.
Comment: This sequence change replaces histidine, which is basic and polar, with proline, which is neutral and non-polar, at codon 580 of the TNFAIP3 protein (p.His580Pro). This variant is not present in population databases (gnomAD no frequency). This variant has not been reported in the literature in individuals affected with TNFAIP3-related conditions. ClinVar contains an entry for this variant (Variation ID: 1372223). Advanced modeling of protein sequence and biophysical properties (such as structural, functional, and spatial information, amino acid conservation, physicochemical variation, residue mobility, and thermodynamic stability) performed at Invitae indicates that this missense variant is not expected to disrupt TNFAIP3 protein function with a negative predictive value of 80%. In summary, the available evidence is currently insufficient to determine the role of this variant in disease. Therefore, it has been classified as a Variant of Uncertain Significance.

NM_001270508.2(TNFAIP3):c.1739A>C (p.His580Pro)

Gene: TNFAIP3 (TNF alpha induced protein 3; plus strand). Cytogenetic location: 6q23.3.
Variant type: single nucleotide variant.
Coding change: c.1739A>C on transcript NM_001270508.2 (MANE Select); coding-DNA position 1739, A replaced by C.
Protein change: p.His580Pro; replaces histidine 580 with proline.
Molecular consequence: missense variant.
Genome position (GRCh38, 1-based): chr6:137,879,184, A>C. VCF-style: chr6-137879184-A-C. GRCh37 (hg19) VCF-style: chr6-138200321-A-C.
Other names: c.1739A>C, p.His580Pro (NM_001270507.2, NM_006290.4); short protein forms H580P.
Identifiers: ClinVar variation 1372223 (VCV001372223.8), dbSNP rs200132284, ClinGen allele CA365793375.